The following is an entry in ClinVar:

NM_000256.3(MYBPC3):c.1877C>G (p.Ser626Ter)

Gene: MYBPC3 (myosin binding protein C3; minus strand). Cytogenetic location: 11p11.2.
Variant type: single nucleotide variant.
Coding change: c.1877C>G on transcript NM_000256.3 (MANE Select); coding-DNA position 1877, C replaced by G.
Protein change: p.Ser626Ter; replaces serine 626 with a stop codon.
Molecular consequence: nonsense.
Genome position (GRCh38, 1-based): chr11:47,341,158, G>C on the plus strand (C>G on the coding strand, the complement: MYBPC3 is on the minus strand). VCF-style: chr11-47341158-G-C. GRCh37 (hg19) VCF-style: chr11-47362709-G-C.
Other names: short protein forms S626*.
Identifiers: ClinVar variation 1801830 (VCV001801830.2), dbSNP rs2495759571, ClinGen allele CA380323690.

ClinVar aggregate classification (germline): Likely pathogenic (1 of 4 stars; one submission).

Conditions:
Hypertrophic cardiomyopathy 1 (CMH1). Also called: Familial hypertrophic cardiomyopathy 1; MYH7-Related Familial Hypertrophic Cardiomyopathy. Identifiers: MedGen C3495498, MONDO:0008647, OMIM 192600.

Submission:

Laboratorio de Biologia Molecular - Genetica, Hospital de Pediatria Garrahan
Classification: Likely pathogenic for Hypertrophic cardiomyopathy 1. Last evaluated: 2022-12-01. Review status: criteria provided, single submitter. Criteria: ACMG Guidelines, 2015. Collection method: clinical testing. Allele origin: maternal. Inheritance: Autosomal dominant inheritance. Affected: yes. Observed: 1 heterozygote.
Comment: This variant is not present in population databases like gnomad and the analysis in silico for this kind of variant predicted a deleterious effect. According to the ACMG guidelines we classified the variant as likely pathogenic.